The following is an entry in ClinVar:

ClinVar aggregate classification (germline): Uncertain significance (1 of 4 stars; one submission).

Conditions:
Pilarowski-Bjornsson syndrome. Also called: DEVELOPMENTAL DELAY AND SPEECH APRAXIA WITH OR WITHOUT SEIZURES. Identifiers: Orphanet 529965, MedGen C4540131, MONDO:0060568, OMIM 617682.

Submission:

Baylor Genetics
Classification: Uncertain significance for Pilarowski-Bjornsson syndrome. Last evaluated: 2019-12-30. Review status: criteria provided, single submitter. Criteria: ACMG Guidelines, 2015. Collection method: clinical testing. Allele origin: unknown. Affected: yes.
Comment: This variant was determined to be of uncertain significance according to ACMG Guidelines, 2015 [PMID:25741868].

NM_001270.4(CHD1):c.3335G>T (p.Arg1112Leu)

Gene: CHD1 (chromodomain helicase DNA binding protein 1; minus strand). Cytogenetic location: 5q15.
Variant type: single nucleotide variant.
Coding change: c.3335G>T on transcript NM_001270.4 (MANE Select); coding-DNA position 3335, G replaced by T.
Protein change: p.Arg1112Leu; replaces arginine 1112 with leucine.
Molecular consequence: missense variant. On other transcripts: non-coding transcript variant (2).
Genome position (GRCh38, 1-based): chr5:98,876,461, C>A on the plus strand (G>T on the coding strand, the complement: CHD1 is on the minus strand). VCF-style: chr5-98876461-C-A. GRCh37 (hg19) VCF-style: chr5-98212165-C-A.
Other names: c.3335G>T, p.Arg1112Leu (NM_001364113.3, NM_001376194.2); short protein forms R1112L.
Identifiers: ClinVar variation 1027855 (VCV001027855.1), dbSNP rs1749765274, ClinGen allele CA360524889.
Genomic context (GRCh38, chr5:98,876,461, plus strand): 5'-CTAATTTCTGCATCACTAAATCCTTTAATATTCTCCCGAGGAATAGTCCGTGGTCTTCCA[C>A]GTTTCTTTGGCCTTTTCCCTTCTGAGATGGAATCACTATCAGATCCAGAGTATCTCCTAC-3'
Protein context (NP_001261.2, residues 1102-1122): SISEGKRPKK[Arg1112Leu]GRPRTIPREN